The following is an entry in ClinVar:

ClinVar aggregate classification (germline): Likely pathogenic (1 of 4 stars; one submission).

Conditions:
Axenfeld-Rieger syndrome type 3 (RIEG3). Also called: AXENFELD-RIEGER ANOMALY WITH CARDIAC DEFECTS AND/OR SENSORINEURAL HEARING LOSS. Identifiers: Orphanet 782, MedGen C2678503, MONDO:0011233, OMIM 602482.

Submission:

DBGen Ocular Genomics
Classification: Likely pathogenic for Axenfeld-Rieger syndrome type 3. Last evaluated: 2023-01-01. Review status: criteria provided, single submitter. Criteria: ACMG Guidelines, 2015. Collection method: clinical testing. Allele origin: inherited. Inheritance: Autosomal dominant inheritance. Affected: yes.
Comment: Class 4 ACMG Guidelines, 2015 (PMID:25741868)

NM_001453.3(FOXC1):c.315C>G (p.Tyr105Ter)

Genes: FOXC1 (forkhead box C1; plus strand), LOC129995601 (ATAC-STARR-seq lymphoblastoid active region 23864; plus strand). Cytogenetic location: 6p25.3.
Variant type: single nucleotide variant.
Coding change: c.315C>G on transcript NM_001453.3 (MANE Select); coding-DNA position 315, C replaced by G.
Protein change: p.Tyr105Ter; replaces tyrosine 105 with a stop codon.
Molecular consequence: nonsense.
Genome position (GRCh38, 1-based): chr6:1,610,760, C>G. VCF-style: chr6-1610760-C-G. GRCh37 (hg19) VCF-style: chr6-1610995-C-G.
Other names: short protein forms Y105*.
Identifiers: ClinVar variation 2628025 (VCV002628025.2), dbSNP rs201891353, ClinGen allele CA362558542.
Genomic context (GRCh38, chr6:1,610,760, plus strand): 5'-GCTCATCACCATGGCCATCCAGAACGCCCCGGACAAGAAGATCACCCTGAACGGCATCTA[C>G]CAGTTCATCATGGACCGCTTCCCCTTCTACCGGGACAACAAGCAGGGCTGGCAGAACAGC-3'